The following is an entry in ClinVar:

ClinVar aggregate classification (germline): Uncertain significance (1 of 4 stars; one submission).

gnomAD v4.1: 3 of 1,613,700 alleles (0.00019%); highest among the groups gnomAD compares: Non-Finnish European, 0.00025%; no homozygotes.

Submission:

GeneDx
Classification: Uncertain significance. Last evaluated: 2025-01-06. Review status: criteria provided, single submitter. Criteria: GeneDx Variant Classification Process June 2021. Collection method: clinical testing. Allele origin: germline.
Comment: Not observed at significant frequency in large population cohorts (gnomAD); In silico analysis indicates that this missense variant does not alter protein structure/function; Has not been previously published as pathogenic or benign to our knowledge

NM_018206.6(VPS35):c.1063A>G (p.Ile355Val)

Gene: VPS35 (VPS35 retromer complex component; minus strand). Cytogenetic location: 16q11.2.
Variant type: single nucleotide variant.
Coding change: c.1063A>G on transcript NM_018206.6 (MANE Select); coding-DNA position 1063, A replaced by G.
Protein change: p.Ile355Val; replaces isoleucine 355 with valine.
Molecular consequence: missense variant.
Genome position (GRCh38, 1-based): chr16:46,674,411, T>C on the plus strand (A>G on the coding strand, the complement: VPS35 is on the minus strand). VCF-style: chr16-46674411-T-C. GRCh37 (hg19) VCF-style: chr16-46708323-T-C.
Other names: short protein forms I355V.
Identifiers: ClinVar variation 3390407 (VCV003390407.2).